The following is an entry in ClinVar:

ClinVar aggregate classification (germline): Conflicting classifications of pathogenicity. Review status: criteria provided, conflicting classifications (1 of 4 stars). 3 submissions from 3 submitters: Likely pathogenic (1); Uncertain significance (2). Last evaluated 2026-03-17.

Conditions:
Hereditary cancer-predisposing syndrome. Also called: Tumor predisposition; Hereditary Cancer Syndrome; Neoplastic Syndromes, Hereditary; Hereditary neoplastic syndrome. Identifiers: Orphanet 140162, MedGen C0027672, MeSH D009386, MONDO:0015356.
Hereditary diffuse gastric adenocarcinoma (HDGC). Also called: DIFFUSE GASTRIC AND LOBULAR BREAST CANCER SYNDROME. Identifiers: Orphanet 26106, MedGen C1708349, MONDO:0007648, OMIM 137215.

Submissions (3):

Ambry Genetics
Classification: Likely pathogenic for Hereditary cancer-predisposing syndrome. Last evaluated: 2026-03-17. Review status: criteria provided, single submitter. Criteria: Ambry Variant Classification Scheme 2023. Collection method: clinical testing. Allele origin: germline.
Comment: The c.1565+3_1565+6delAAGT intronic variant begins 3 nucleotide(s) after coding exon 10 in the CDH1 gene. This variant results from a deletion of 4 nucleotides at positions c.1565+3 to c.1565+6. This nucleotide region is generally well conserved in available vertebrate species. In silico splice site analysis predicts that this alteration will weaken the native splice donor site and will result in the creation or strengthening of a novel splice donor site. RNA studies have demonstrated that this variant results in abnormal splicing in the set of samples tested (Ambry internal data). Based on the majority of available evidence to date, this variant is likely to be pathogenic.

Labcorp Genetics (formerly Invitae), Labcorp
Classification: Uncertain significance for Hereditary diffuse gastric adenocarcinoma. Last evaluated: 2022-05-18. Review status: criteria provided, single submitter. Criteria: Invitae Variant Classification Sherloc (09022015). Collection method: clinical testing. Allele origin: germline.
Comment: This sequence change falls in intron 10 of the CDH1 gene. It does not directly change the encoded amino acid sequence of the CDH1 protein. It affects a nucleotide within the consensus splice site. This variant is not present in population databases (gnomAD no frequency). This variant has not been reported in the literature in individuals affected with CDH1-related conditions. ClinVar contains an entry for this variant (Variation ID: 649590). Variants that disrupt the consensus splice site are a relatively common cause of aberrant splicing (PMID: 17576681, 9536098). Algorithms developed to predict the effect of sequence changes on RNA splicing suggest that this variant may disrupt the consensus splice site. This variant disrupts the c.1565+2dupT nucleotide in the CDH1 gene. Other variant(s) that disrupt this nucleotide have been determined to be pathogenic (PMID: 22020549, 25315765). This suggests that this nucleotide is clinically significant, and that variants that disrupt this position are likely to be disease-causing. In summary, the available evidence is currently insufficient to determine the role of this variant in disease. Therefore, it has been classified as a Variant of Uncertain Significance.

Quest Diagnostics Nichols Institute San Juan Capistrano
Classification: Uncertain significance. Last evaluated: 2019-09-21. Review status: criteria provided, single submitter. Criteria: Quest Diagnostics criteria. Collection method: clinical testing. Allele origin: unknown.

Literature cited by the submitters: PubMed 17576681 (cited by Labcorp Genetics (formerly Invitae), Labcorp); PubMed 9536098 (cited by Labcorp Genetics (formerly Invitae), Labcorp); PubMed 22020549 (cited by Labcorp Genetics (formerly Invitae), Labcorp); PubMed 25315765 (cited by Labcorp Genetics (formerly Invitae), Labcorp).

NM_004360.5(CDH1):c.1565+3_1565+6del

Gene: CDH1 (cadherin 1; plus strand). Cytogenetic location: 16q22.1.
Variant type: Deletion.
Coding change: c.1565+3_1565+6del on transcript NM_004360.5 (MANE Select); bases 3 to 6 of the intron after coding-DNA position 1565, 4 bases deleted (AAGT; older notation c.1565+3_1565+6delAAGT).
Molecular consequence: splice donor variant.
Genome position (GRCh38, 1-based): chr16:68,815,762-68,815,765, AAGT deleted; deleting any 4 consecutive bases within chr16:68,815,760-68,815,765 gives the same sequence; the c. name uses the placement nearest the transcript's 3' end. VCF-style (leftmost placement, unchanged base first): chr16-68815759-CGTAA-C. GRCh37 (hg19) VCF-style: chr16-68849662-CGTAA-C.
Other names: c.1565+3_1565+6del (LRG_301t1); c.17+3_17+6del (NM_001317185.2); c.-255+3_-255+6del (NM_001317186.2); c.1382+3_1382+6del (NM_001317184.2); c.1565+3_1565+6delAAGT (NM_004360.3).
Identifiers: ClinVar variation 649590 (VCV000649590.12), dbSNP rs1597898359, ClinGen allele CA915949312.